The following is an entry in ClinVar:

NM_003821.6(RIPK2):c.1029+23_1029+25del

Gene: RIPK2 (receptor interacting serine/threonine kinase 2; plus strand). Cytogenetic location: 8q21.3.
Variant type: Deletion.
Coding change: c.1029+23_1029+25del on transcript NM_003821.6 (MANE Select); bases 23 to 25 of the intron after coding-DNA position 1029, 3 bases deleted (AAA; older notation c.1029+23_1029+25delAAA).
Molecular consequence: intron variant.
Genome position (GRCh38, 1-based): chr8:89,784,162-89,784,164, AAA deleted; deleting any 3 consecutive bases within chr8:89,784,142-89,784,164 gives the same sequence; the c. name uses the placement nearest the transcript's 3' end. VCF-style (leftmost placement, unchanged base first): chr8-89784141-TAAA-T. GRCh37 (hg19) VCF-style: chr8-90796369-TAAA-T.
Identifiers: ClinVar variation 403380 (VCV000403380.4), dbSNP rs71268283, ClinGen allele CA4802082.
Genomic context (GRCh38, chr8:89,784,141, plus strand): 5'-GTGACAAGAAGAAAATGGAATTATCTCTGAACATACCTGTAAATCATGGTCCACAAGAGG[TAAA>T]AAAAAAAAAAAAAAAAAAAAGGTTATATTAAACTCAAAATGTGAGAAGAATTTGAAAAAA-3'

ClinVar aggregate classification (germline): Benign (1 of 4 stars; one submission).

Submission:

Laboratory for Molecular Medicine, Mass General Brigham Personalized Medicine
Classification: Benign. Last evaluated: 2016-03-28. Review status: criteria provided, single submitter. Criteria: LMM Criteria. Collection method: clinical testing. Allele origin: germline.
Comment: Variant identified in a genome or exome case(s) and assessed due to predicted null impact of the variant or pathogenic assertions in the literature or databases. Disclaimer: This variant has not undergone full assessment. The following are preliminary notes: Frequency